The following is an entry in ClinVar:

NM_014974.3(DIP2C):c.3290G>T (p.Arg1097Met)

Genes: DIP2C (DIP2 acetate--CoA ligase C (putative); minus strand), LOC126860805 (BRD4-independent group 4 enhancer GRCh37_chr10:390524-391723; plus strand). Cytogenetic location: 10p15.3.
Variant type: single nucleotide variant.
Coding change: c.3290G>T on transcript NM_014974.3 (MANE Select); coding-DNA position 3290, G replaced by T.
Protein change: p.Arg1097Met; replaces arginine 1097 with methionine.
Molecular consequence: missense variant.
Genome position (GRCh38, 1-based): chr10:345,052, C>A on the plus strand (G>T on the coding strand, the complement: DIP2C is on the minus strand). VCF-style: chr10-345052-C-A. GRCh37 (hg19) VCF-style: chr10-390992-C-A.
Other names: short protein forms R1097M.
Identifiers: ClinVar variation 3615019 (VCV003615019.2).

ClinVar aggregate classification (germline): Uncertain significance (1 of 4 stars; one submission).

gnomAD v4.1: 1 of 1,613,650 alleles (0.000062%); highest among the groups gnomAD compares: African/African-American, 0.0013%; no homozygotes.

Submission:

Labcorp Genetics (formerly Invitae), Labcorp
Classification: Uncertain significance. Last evaluated: 2024-06-19. Review status: criteria provided, single submitter. Criteria: Invitae Variant Classification Sherloc (09022015). Collection method: clinical testing. Allele origin: germline.
Comment: This sequence change replaces arginine, which is basic and polar, with methionine, which is neutral and non-polar, at codon 1097 of the DIP2C protein (p.Arg1097Met). The frequency data for this variant in the population databases is considered unreliable, as metrics indicate poor data quality at this position in the gnomAD database. This variant has not been reported in the literature in individuals affected with DIP2C-related conditions. An algorithm developed to predict the effect of missense changes on protein structure and function (PolyPhen-2) suggests that this variant is likely to be disruptive. In summary, the available evidence is currently insufficient to determine the role of this variant in disease. Therefore, it has been classified as a Variant of Uncertain Significance.